The following is an entry in ClinVar:

NM_001042631.3(SDHAF1):c.151G>C (p.Glu51Gln)

Gene: SDHAF1 (succinate dehydrogenase complex assembly factor 1; plus strand). Cytogenetic location: 19q13.12.
Variant type: single nucleotide variant.
Coding change: c.151G>C on transcript NM_001042631.3 (MANE Select); coding-DNA position 151, G replaced by C.
Protein change: p.Glu51Gln; replaces glutamic acid 51 with glutamine.
Molecular consequence: missense variant.
Genome position (GRCh38, 1-based): chr19:35,995,425, G>C. VCF-style: chr19-35995425-G-C. GRCh37 (hg19) VCF-style: chr19-36486327-G-C.
Other names: short protein forms E51Q.
Identifiers: ClinVar variation 1434459 (VCV001434459.6), dbSNP rs763128940, ClinGen allele CA405423653.

ClinVar aggregate classification (germline): Uncertain significance (1 of 4 stars; one submission).

Submission:

Labcorp Genetics (formerly Invitae), Labcorp
Classification: Uncertain significance. Last evaluated: 2023-11-27. Review status: criteria provided, single submitter. Criteria: Invitae Variant Classification Sherloc (09022015). Collection method: clinical testing. Allele origin: germline.
Comment: This sequence change replaces glutamic acid, which is acidic and polar, with glutamine, which is neutral and polar, at codon 51 of the SDHAF1 protein (p.Glu51Gln). This variant is not present in population databases (gnomAD no frequency). This variant has not been reported in the literature in individuals affected with SDHAF1-related conditions. ClinVar contains an entry for this variant (Variation ID: 1434459). An algorithm developed to predict the effect of missense changes on protein structure and function (PolyPhen-2) suggests that this variant is likely to be disruptive. In summary, the available evidence is currently insufficient to determine the role of this variant in disease. Therefore, it has been classified as a Variant of Uncertain Significance.